The following is an entry in ClinVar:

ClinVar aggregate classification (germline): Likely benign. Review status: criteria provided, multiple submitters, no conflicts (2 of 4 stars). 3 submissions from 3 submitters: Likely benign (2). 1 of the submissions does not count toward it. Last evaluated 2026-01-13.

Conditions:
FBN3-related disorder. Also called: FBN3-related condition.

Allele frequency attached by ClinVar (database versions not stated): gnomAD 0.00227 and 0.00232; TOPMed 0.00230; ESP Exome Variant Server 0.00239; 1000 Genomes Project 0.00260; gnomAD exomes 0.00260; 1000 Genomes Project 30x 0.00281; ExAC 0.00489.
gnomAD v4.1: 5,516 of 1,598,764 alleles (0.35%); highest among the groups gnomAD compares: Non-Finnish European, 0.41%; 12 homozygotes.

Submissions (3):

Labcorp Genetics (formerly Invitae), Labcorp
Classification: Likely benign. Last evaluated: 2026-01-13. Review status: criteria provided, single submitter. Criteria: Invitae Variant Classification Sherloc (09022015). Collection method: clinical testing. Allele origin: germline.

Breakthrough Genomics
Classification: Likely benign. Review status: criteria provided, single submitter. Criteria: ACMG Guidelines, 2015. Collection method: not provided. Allele origin: germline. Inheritance: Unknown mechanism. Affected: yes.

PreventionGenetics, part of Exact Sciences
Classification: Likely benign for FBN3-related condition. Last evaluated: 2019-09-25. Review status: no assertion criteria provided. Collection method: clinical testing. Allele origin: germline. Not counted in ClinVar's aggregate classification.
Comment: This variant is classified as likely benign based on ACMG/AMP sequence variant interpretation guidelines (Richards et al. 2015 PMID: 25741868, with internal and published modifications).

NM_032447.5(FBN3):c.143G>A (p.Arg48Gln)

Gene: FBN3 (fibrillin 3; minus strand). Cytogenetic location: 19p13.2.
Variant type: single nucleotide variant.
Coding change: c.143G>A on transcript NM_032447.5 (MANE Select); coding-DNA position 143, G replaced by A.
Protein change: p.Arg48Gln; replaces arginine 48 with glutamine.
Molecular consequence: missense variant.
Genome position (GRCh38, 1-based): chr19:8,147,338, C>T on the plus strand (G>A on the coding strand, the complement: FBN3 is on the minus strand). VCF-style: chr19-8147338-C-T. GRCh37 (hg19) VCF-style: chr19-8212222-C-T.
Other names: c.143G>A, p.Arg48Gln (NM_001321431.2); c.143G>A (NM_001321431.1); short protein forms R48Q.
Identifiers: ClinVar variation 1555711 (VCV001555711.11), dbSNP rs149095306, ClinGen allele CA9153869.